The following is an entry in ClinVar:

NM_001844.5(COL2A1):c.2723dup (p.Gly909fs)

Gene: COL2A1 (collagen type II alpha 1 chain; minus strand). Cytogenetic location: 12q13.11.
Variant type: Duplication.
Coding change: c.2723dup on transcript NM_001844.5 (MANE Select); coding-DNA position 2723, one base duplicated (C; older notation c.2723dupC).
Protein change: p.Gly909fs; shifts the reading frame from glycine 909.
Molecular consequence: frameshift variant.
Genome position (GRCh38, 1-based): chr12:47,979,521, G duplicated on the plus strand (C on the coding strand, the reverse complement: COL2A1 is on the minus strand); the first of 5 consecutive G bases (chr12:47,979,521-47,979,525); duplicating any one gives the same sequence. VCF-style (leftmost placement, unchanged base first): chr12-47979520-T-TG. GRCh37 (hg19) VCF-style: chr12-48373303-T-TG.
Other names: c.2516dup, p.Gly840fs (NM_033150.3); short protein forms G840fs, G909fs.
Identifiers: ClinVar variation 3893312 (VCV003893312.2).

ClinVar aggregate classification (germline): Pathogenic. Review status: criteria provided, multiple submitters, no conflicts (2 of 4 stars). 2 submissions from 2 submitters: Pathogenic (2). Last evaluated 2025-09-28.

Submissions (2):

Labcorp Genetics (formerly Invitae), Labcorp
Classification: Pathogenic. Last evaluated: 2025-09-28. Review status: criteria provided, single submitter. Criteria: Invitae Variant Classification Sherloc (09022015). Collection method: clinical testing. Allele origin: germline.
Comment: This sequence change creates a premature translational stop signal (p.Gly909Argfs*35) in the COL2A1 gene. It is expected to result in an absent or disrupted protein product. Loss-of-function variants in COL2A1 are known to be pathogenic (PMID: 20179744). This variant is not present in population databases (gnomAD no frequency). This premature translational stop signal has been observed in individual(s) with clinical features of Stickler syndrome (PMID: 20179744). This variant is also known as c.2719dupC. ClinVar contains an entry for this variant (Variation ID: 3893312). For these reasons, this variant has been classified as Pathogenic.

GeneDx
Classification: Pathogenic. Last evaluated: 2024-10-22. Review status: criteria provided, single submitter. Criteria: GeneDx Variant Classification Process June 2021. Collection method: clinical testing. Allele origin: germline. Affected: yes.
Comment: Frameshift variant predicted to result in protein truncation or nonsense mediated decay in a gene for which loss of function is a known mechanism of disease; Not observed at significant frequency in large population cohorts (gnomAD); This variant is associated with the following publications: (PMID: 20179744)

Literature cited by the submitters: PubMed 20179744 (cited by Labcorp Genetics (formerly Invitae), Labcorp).